The following is an entry in ClinVar:

ClinVar aggregate classification (germline): Uncertain significance (1 of 4 stars; one submission).

gnomAD v4.1: 4 of 1,614,072 alleles (0.00025%); highest among the groups gnomAD compares: Admixed American, 0.0067%; no homozygotes.

Submission:

Labcorp Genetics (formerly Invitae), Labcorp
Classification: Uncertain significance. Last evaluated: 2025-01-06. Review status: criteria provided, single submitter. Criteria: Invitae Variant Classification Sherloc (09022015). Collection method: clinical testing. Allele origin: germline.
Comment: This sequence change replaces aspartic acid, which is acidic and polar, with asparagine, which is neutral and polar, at codon 147 of the KIF20A protein (p.Asp147Asn). This variant is present in population databases (rs752562197, gnomAD 0.01%). This variant has not been reported in the literature in individuals affected with KIF20A-related conditions. ClinVar contains an entry for this variant (Variation ID: 1409715). An algorithm developed to predict the effect of missense changes on protein structure and function (PolyPhen-2) suggests that this variant is likely to be disruptive. In summary, the available evidence is currently insufficient to determine the role of this variant in disease. Therefore, it has been classified as a Variant of Uncertain Significance.

NM_005733.3(KIF20A):c.439G>A (p.Asp147Asn)

Gene: KIF20A (kinesin family member 20A; plus strand). Cytogenetic location: 5q31.2.
Variant type: single nucleotide variant.
Coding change: c.439G>A on transcript NM_005733.3 (MANE Select); coding-DNA position 439, G replaced by A.
Protein change: p.Asp147Asn; replaces aspartic acid 147 with asparagine.
Molecular consequence: missense variant.
Genome position (GRCh38, 1-based): chr5:138,182,386, G>A. VCF-style: chr5-138182386-G-A. GRCh37 (hg19) VCF-style: chr5-137518075-G-A.
Other names: short protein forms D147N.
Identifiers: ClinVar variation 1409715 (VCV001409715.6), dbSNP rs752562197, ClinGen allele CA3426311.